The following is an entry in ClinVar:

ClinVar aggregate classification (germline): Uncertain significance (1 of 4 stars; one submission).

Conditions:
Hereditary cancer-predisposing syndrome. Also called: Neoplastic Syndromes, Hereditary; Tumor predisposition; Hereditary Cancer Syndrome; Hereditary neoplastic syndrome. Identifiers: Orphanet 140162, MedGen C0027672, MeSH D009386, MONDO:0015356.

Submission:

Ambry Genetics
Classification: Uncertain significance for Hereditary cancer-predisposing syndrome. Last evaluated: 2025-11-02. Review status: criteria provided, single submitter. Criteria: Ambry Variant Classification Scheme 2023. Collection method: clinical testing. Allele origin: germline.
Comment: The p.K828T variant (also known as c.2483A>C), located in coding exon 16 of the ATM gene, results from an A to C substitution at nucleotide position 2483. The lysine at codon 828 is replaced by threonine, an amino acid with similar properties. This amino acid position is conserved. In addition, this alteration is predicted to be tolerated by in silico analysis. Based on the available evidence, the clinical significance of this variant remains unclear.

NM_000051.4(ATM):c.2483A>C (p.Lys828Thr)

Gene: ATM (ATM serine/threonine kinase; plus strand). Cytogenetic location: 11q22.3.
Variant type: single nucleotide variant.
Coding change: c.2483A>C on transcript NM_000051.4 (MANE Select); coding-DNA position 2483, A replaced by C.
Protein change: p.Lys828Thr; replaces lysine 828 with threonine.
Molecular consequence: missense variant.
Genome position (GRCh38, 1-based): chr11:108,267,187, A>C. VCF-style: chr11-108267187-A-C. GRCh37 (hg19) VCF-style: chr11-108137914-A-C.
Other names: c.2483A>C, p.Lys828Thr (NM_001351834.2); short protein forms K828T.
Identifiers: ClinVar variation 4618154 (VCV004618154.1).
Genomic context (GRCh38, chr11:108,267,187, plus strand): 5'-CTGCAAGAAGCCATCTTGAACATCTTTGTTTCTCTTCCTTGAAGGCATCCTTCATCAAAA[A>C]GCCATTTGACCGTGGAGAAGTAGAATCAATGGAAGATGATACTAATGGAAATCTAATGGA-3'
Protein context (NP_000042.3, residues 818-838): ICKSLASFIK[Lys828Thr]PFDRGEVESM